The following is an entry in ClinVar:

NM_001283009.2(RTEL1):c.3015G>T (p.Lys1005Asn)

Genes: RTEL1 (regulator of telomere elongation helicase 1; plus strand), RTEL1-TNFRSF6B (RTEL1-TNFRSF6B readthrough (NMD candidate); plus strand). Cytogenetic location: 20q13.33.
Variant type: single nucleotide variant.
Coding change: c.3015G>T on transcript NM_001283009.2 (MANE Select); coding-DNA position 3015, G replaced by T.
Protein change: p.Lys1005Asn; replaces lysine 1005 with asparagine.
Molecular consequence: missense variant. On other transcripts: non-coding transcript variant (1).
Genome position (GRCh38, 1-based): chr20:63,694,394, G>T. VCF-style: chr20-63694394-G-T. GRCh37 (hg19) VCF-style: chr20-62325747-G-T.
Other names: c.2346G>T, p.Lys782Asn (NM_001283010.1); c.3015G>T, p.Lys1005Asn (NM_016434.4); c.3087G>T, p.Lys1029Asn (NM_032957.5); short protein forms K1005N, K1029N, K782N.
Identifiers: ClinVar variation 4863514 (VCV004863514.1).
Genomic context (GRCh38, chr20:63,694,394, plus strand): 5'-CTCTCGACCAGCTTTGTGGCTCTACATCTCTTCATCAGGAAGAACGGCGCCGGATCCCAA[G>T]CTGACCGTGTCCACGGCTGCAGCCCAGCAGCTGGACCCCCAAGAGCACCTGAACCAGGGC-3'
Protein context (NP_001269938.1, residues 995-1015): DPTGRTAPDP[Lys1005Asn]LTVSTAAAQQ

ClinVar aggregate classification (germline): Uncertain significance (1 of 4 stars; one submission).

Conditions:
Inborn genetic diseases. Identifiers: MedGen C0950123, MeSH D030342.

Submission:

Ambry Genetics
Classification: Uncertain significance for Inborn genetic diseases. Last evaluated: 2026-03-15. Review status: criteria provided, single submitter. Criteria: Ambry Variant Classification Scheme 2023. Collection method: clinical testing. Allele origin: germline.
Comment: The p.K1005N variant (also known as c.3015G>T), located in coding exon 30 of the RTEL1 gene, results from a G to T substitution at nucleotide position 3015. The lysine at codon 1005 is replaced by asparagine, an amino acid with similar properties. This amino acid position is conserved. In addition, the in silico prediction for this alteration is inconclusive. Based on the available evidence, the clinical significance of this variant remains unclear.